The following is an entry in ClinVar:

ClinVar aggregate classification (germline): Uncertain significance (1 of 4 stars; one submission).

gnomAD v4.1: 1 of 1,600,170 alleles (0.000062%); highest among the groups gnomAD compares: Non-Finnish European, 0.000085%; no homozygotes.

Submission:

Greenwood Genetic Center Diagnostic Laboratories, Greenwood Genetic Center
Classification: Uncertain significance. Last evaluated: 2025-10-08. Review status: criteria provided, single submitter. Criteria: ACMG Guidelines, 2015. Collection method: clinical testing. Allele origin: germline. Affected: yes.
Comment: PM2, BP4

NM_001042545.2(LTBP4):c.634G>C (p.Gly212Arg)

Gene: LTBP4 (latent transforming growth factor beta binding protein 4; plus strand). Cytogenetic location: 19q13.2.
Variant type: single nucleotide variant.
Coding change: c.634G>C on transcript NM_001042545.2 (MANE Select); coding-DNA position 634, G replaced by C.
Protein change: p.Gly212Arg; replaces glycine 212 with arginine.
Molecular consequence: missense variant.
Genome position (GRCh38, 1-based): chr19:40,605,596, G>C. VCF-style: chr19-40605596-G-C. GRCh37 (hg19) VCF-style: chr19-41111502-G-C.
Other names: c.835G>C, p.Gly279Arg (NM_001042544.1); c.724G>C, p.Gly242Arg (NM_003573.2); short protein forms G212R, G242R, G279R.
Identifiers: ClinVar variation 4845531 (VCV004845531.1).